The following is an entry in ClinVar:

ClinVar aggregate classification (germline): Pathogenic. Review status: criteria provided, multiple submitters, no conflicts (2 of 4 stars). 2 submissions from 2 submitters: Pathogenic (2). Last evaluated 2024-03-18.

Submissions (2):

Labcorp Genetics (formerly Invitae), Labcorp
Classification: Pathogenic. Last evaluated: 2024-03-18. Review status: criteria provided, single submitter. Criteria: Invitae Variant Classification Sherloc (09022015). Collection method: clinical testing. Allele origin: germline.
Comment: This sequence change affects an acceptor splice site in intron 13 of the PHEX gene. It is expected to disrupt RNA splicing. Variants that disrupt the donor or acceptor splice site typically lead to a loss of protein function (PMID: 16199547), and loss-of-function variants in PHEX are known to be pathogenic (PMID: 9097956, 9106524, 19219621). This variant is not present in population databases (gnomAD no frequency). Disruption of this splice site has been observed in individuals with hypophosphatemic rickets (PMID: 22577109, 23079138, 27840894). This variant is also known as IVS13-1G>A. ClinVar contains an entry for this variant (Variation ID: 970697). Algorithms developed to predict the effect of sequence changes on RNA splicing suggest that this variant may disrupt the consensus splice site. For these reasons, this variant has been classified as Pathogenic.

GeneDx
Classification: Pathogenic. Last evaluated: 2023-06-25. Review status: criteria provided, single submitter. Criteria: GeneDx Variant Classification Process June 2021. Collection method: clinical testing. Allele origin: germline. Affected: yes.
Comment: Canonical splice site variant predicted to result in a null allele in a gene for which loss of function is a known mechanism of disease; Not observed at significant frequency in large population cohorts (gnomAD); This variant is associated with the following publications: (PMID: 21050253, 34633109, 34141703, 31567381, 27840894, 34218635)

Literature cited by the submitters: PubMed 16199547 (cited by Labcorp Genetics (formerly Invitae), Labcorp); PubMed 9097956 (cited by Labcorp Genetics (formerly Invitae), Labcorp); PubMed 9106524 (cited by Labcorp Genetics (formerly Invitae), Labcorp); PubMed 19219621 (cited by Labcorp Genetics (formerly Invitae), Labcorp); PubMed 22577109 (cited by Labcorp Genetics (formerly Invitae), Labcorp); PubMed 23079138 (cited by Labcorp Genetics (formerly Invitae), Labcorp); PubMed 27840894 (cited by Labcorp Genetics (formerly Invitae), Labcorp).

NM_000444.6(PHEX):c.1483-1G>C

Gene: PHEX (phosphate regulating endopeptidase X-linked; plus strand). Cytogenetic location: Xp22.11.
Variant type: single nucleotide variant.
Coding change: c.1483-1G>C on transcript NM_000444.6 (MANE Select); the canonical splice acceptor site of the intron before coding-DNA position 1483, G replaced by C.
Molecular consequence: splice acceptor variant.
Genome position (GRCh38, 1-based): chrX:22,178,272, G>C. VCF-style: chrX-22178272-G-C. GRCh37 (hg19) VCF-style: chrX-22196389-G-C.
Other names: c.1483-1G>C (NM_001282754.2).
Identifiers: ClinVar variation 970697 (VCV000970697.11), dbSNP rs1057517794, ClinGen allele CA412574709.